The following is an entry in ClinVar:

ClinVar aggregate classification (germline): Conflicting classifications of pathogenicity. Review status: criteria provided, conflicting classifications (1 of 4 stars). 2 submissions from 2 submitters: Uncertain significance (1); Likely benign (1). Last evaluated 2024-12-28.

Conditions:
Developmental and epileptic encephalopathy 94 (DEE94). Also called: CHD2-Related Neurodevelopmental Disorders; Epileptic encephalopathy, childhood-onset. Identifiers: Orphanet 1942, Orphanet 2382, MedGen C3809278, MONDO:0014150, OMIM 615369.

Allele frequency attached by ClinVar (database versions not stated): ExAC below 0.00001; gnomAD exomes below 0.00001.
gnomAD v4.1: 3 of 1,612,886 alleles (0.00019%); highest among the groups gnomAD compares: South Asian, 0.0011%; no homozygotes.

Submissions (2):

Mayo Clinic Laboratories, Mayo Clinic
Classification: Uncertain significance. Last evaluated: 2024-12-28. Review status: criteria provided, single submitter. Criteria: ACMG Guidelines, 2015. Collection method: clinical testing. Allele origin: germline. Observed: 1 variant allele.
Comment: BS2

Labcorp Genetics (formerly Invitae), Labcorp
Classification: Likely benign for Developmental and epileptic encephalopathy 94. Last evaluated: 2022-07-05. Review status: criteria provided, single submitter. Criteria: Invitae Variant Classification Sherloc (09022015). Collection method: clinical testing. Allele origin: germline.

NM_001271.4(CHD2):c.2998C>T (p.Arg1000Trp)

Genes: CHD2 (chromodomain helicase DNA binding protein 2; plus strand), LOC126862230 (P300/CBP strongly-dependent group 1 enhancer GRCh37_chr15:93523977-93525176; plus strand). Cytogenetic location: 15q26.1.
Variant type: single nucleotide variant.
Coding change: c.2998C>T on transcript NM_001271.4 (MANE Select); coding-DNA position 2998, C replaced by T.
Protein change: p.Arg1000Trp; replaces arginine 1000 with tryptophan.
Molecular consequence: missense variant.
Genome position (GRCh38, 1-based): chr15:92,981,389, C>T. VCF-style: chr15-92981389-C-T. GRCh37 (hg19) VCF-style: chr15-93524619-C-T.
Other names: p.Arg1000Trp; short protein forms R1000W.
Identifiers: ClinVar variation 474380 (VCV000474380.13), dbSNP rs758134774, ClinGen allele CA7748122.